The following is an entry in ClinVar:

ClinVar aggregate classification (germline): Likely benign (1 of 4 stars; one submission).

Allele frequency attached by ClinVar (database versions not stated): gnomAD exomes below 0.00001; TOPMed below 0.00001.
gnomAD v4.1: 4 of 1,201,598 alleles (0.00033%); highest among the groups gnomAD compares: Non-Finnish European, 0.00045%; no homozygotes.

Submission:

CeGaT Center for Human Genetics Tuebingen
Classification: Likely benign. Last evaluated: 2022-09-01. Review status: criteria provided, single submitter. Criteria: CeGaT Center For Human Genetics Tuebingen Variant Classification Criteria Version 2. Collection method: clinical testing. Allele origin: germline. Affected: yes. Observed: 1 variant allele.
Comment: DCAF8L2: BP4, BP7

NM_001353450.2(DCAF8L2):c.1740T>G (p.Leu580=)

Gene: DCAF8L2 (DDB1 and CUL4 associated factor 8 like 2; plus strand). Cytogenetic location: Xp21.3.
Variant type: single nucleotide variant.
Coding change: c.1740T>G on transcript NM_001353450.2 (MANE Select); coding-DNA position 1740, T replaced by G.
Protein change: p.Leu580=; no amino-acid change (leucine 580 retained).
Molecular consequence: synonymous variant.
Genome position (GRCh38, 1-based): chrX:27,748,635, T>G. VCF-style: chrX-27748635-T-G. GRCh37 (hg19) VCF-style: chrX-27766752-T-G.
Other names: c.1740T>G, p.Leu580= (NM_001353448.2, NM_001353449.2).
Identifiers: ClinVar variation 2660216 (VCV002660216.24), dbSNP rs1434372416, ClinGen allele CA515950259.